The following is an entry in ClinVar:

ClinVar aggregate classification (germline): Pathogenic (1 of 4 stars; one submission).

Conditions:
Polycystic lipomembranous osteodysplasia with sclerosing leukoencephalopathy 2. Also called: TREM2-Related Polycystic Lipomembranous Osteodysplasia with Sclerosing Leukoencephalopathy. Identifiers: MedGen C4748657, MONDO:0020750, OMIM 618193.

Allele frequency attached by ClinVar (database versions not stated): gnomAD exomes below 0.00001; ExAC 0.00002.

Submission:

Human Genome Lab, NIMHANS, National Institute of Mental Health and Neuro Sciences
Classification: Pathogenic for Polycystic lipomembranous osteodysplasia with sclerosing leukoencephalopathy 2. Last evaluated: 2023-10-05. Review status: criteria provided, single submitter. Criteria: ACMG Guidelines, 2015. Collection method: clinical testing. Allele origin: germline. Inheritance: Autosomal recessive inheritance. Affected: yes.
Comment: The c.40+1G>A variant is novel (not in any individuals) in 1000 Genomes. The c.40+1G>A variant is observed in 3/30,780 (0.0097%) alleles from individuals of gnomAD South Asian background in gnomAD in only heterozygous state. 2 other individuals with similar phenotype were found to have this variant in homozygous state in our inhouse database, whereas none of the healthy adult individuals harbored this variant in our inhouse database represented by over 1500 control chromosomes. This variant mutates a splice-donor sequence, potentially resulting in the retention of large segments of intronic DNA by the mRNA and nonfunctional proteins. This variant results in the loss of an donor splice site for the clinically relevant transcript. This variant disrupts the donor splice site for an exon upstream from the penultimate exon junction and is therefore predicted to cause nonsense mediated decay. The c.40+1G>A variant is a loss of function variant in the gene TREM2, which is intolerant of Loss of Function variants, as indicated by the presence of existing pathogenic loss of function variant NP_061838.1:p.E14* and 4 others. In addition, the phenotype of the proband matches with that of the disorder caused by pathogenic variants in TREM2 gene. For these reasons, this variant has been classified as Pathogenic (PM2 PVS1 PP4_Strong PP1_Moderate PS4).

NM_018965.4(TREM2):c.40+1G>A

Gene: TREM2 (triggering receptor expressed on myeloid cells 2; minus strand). Cytogenetic location: 6p21.1.
Variant type: single nucleotide variant.
Coding change: c.40+1G>A on transcript NM_018965.4 (MANE Select); the canonical splice donor site of the intron after coding-DNA position 40, G replaced by A.
Molecular consequence: splice donor variant.
Genome position (GRCh38, 1-based): chr6:41,163,042, C>T on the plus strand (G>A on the coding strand, the complement: TREM2 is on the minus strand). VCF-style: chr6-41163042-C-T. GRCh37 (hg19) VCF-style: chr6-41130780-C-T.
Other names: c.40+1G>A (NM_001271821.2).
Identifiers: ClinVar variation 2583155 (VCV002583155.2), dbSNP rs766712618, ClinGen allele CA3799003.